The following is an entry in ClinVar:

ClinVar aggregate classification (germline): Uncertain significance (1 of 4 stars; one submission).

Submission:

Labcorp Genetics (formerly Invitae), Labcorp
Classification: Uncertain significance. Last evaluated: 2024-06-10. Review status: criteria provided, single submitter. Criteria: Invitae Variant Classification Sherloc (09022015). Collection method: clinical testing. Allele origin: germline.
Comment: This sequence change falls in intron 5 of the MYO18B gene. It does not directly change the encoded amino acid sequence of the MYO18B protein. It affects a nucleotide within the consensus splice site. This variant is not present in population databases (gnomAD no frequency). This variant has not been reported in the literature in individuals affected with MYO18B-related conditions. Variants that disrupt the consensus splice site are a relatively common cause of aberrant splicing (PMID: 17576681, 9536098). Algorithms developed to predict the effect of sequence changes on RNA splicing suggest that this variant may disrupt the consensus splice site. In summary, the available evidence is currently insufficient to determine the role of this variant in disease. Therefore, it has been classified as a Variant of Uncertain Significance.

Literature cited by the submitters: PubMed 17576681; PubMed 9536098.

NM_032608.7(MYO18B):c.1579+5G>C

Gene: MYO18B (myosin XVIIIB; plus strand). Cytogenetic location: 22q12.1.
Variant type: single nucleotide variant.
Coding change: c.1579+5G>C on transcript NM_032608.7 (MANE Select); 5 bases into the intron after coding-DNA position 1579, G replaced by C.
Molecular consequence: intron variant.
Genome position (GRCh38, 1-based): chr22:25,770,181, G>C. VCF-style: chr22-25770181-G-C. GRCh37 (hg19) VCF-style: chr22-26166148-G-C.
Other names: c.1579+5G>C (NM_001318245.2).
Identifiers: ClinVar variation 2860734 (VCV002860734.3), dbSNP rs754639183, ClinGen allele CA2739267840.